The following is an entry in ClinVar:

ClinVar aggregate classification (germline): Uncertain significance. Review status: criteria provided, multiple submitters, no conflicts (2 of 4 stars). 5 submissions from 5 submitters: Uncertain significance (5). Last evaluated 2026-08-18.

Conditions:
Hereditary nonpolyposis colorectal neoplasms. Identifiers: MedGen C0009405, MeSH D003123.
Hereditary cancer-predisposing syndrome. Also called: Tumor predisposition; Neoplastic Syndromes, Hereditary; Hereditary Cancer Syndrome; Hereditary neoplastic syndrome. Identifiers: Orphanet 140162, MedGen C0027672, MeSH D009386, MONDO:0015356.
Lynch syndrome 4 (LYNCH4). Also called: Colorectal cancer, hereditary nonpolyposis, type 4; Hereditary non-polyposis colorectal cancer, type 4. Identifiers: Orphanet 144, MedGen C1838333, MONDO:0013699, OMIM 614337. Disease mechanism: loss of function.

gnomAD v4.1: 2 of 1,601,422 alleles (0.00012%); highest among the groups gnomAD compares: Non-Finnish European, 0.00017%; no homozygotes.

Submissions (5):

Ambry Genetics
Classification: Uncertain significance for Hereditary cancer-predisposing syndrome. Last evaluated: 2026-08-18. Review status: criteria provided, single submitter. Criteria: Ambry Variant Classification Scheme 2023. Collection method: clinical testing. Allele origin: germline.
Comment: The p.F104S variant (also known as c.311T>C), located in coding exon 4 of the PMS2 gene, results from a T to C substitution at nucleotide position 311. The phenylalanine at codon 104 is replaced by serine, an amino acid with highly dissimilar properties. This amino acid position is highly conserved in available vertebrate species. In addition, this alteration is predicted to be deleterious by in silico analysis. Based on the available evidence, the clinical significance of this variant remains unclear.

Color Diagnostics, LLC DBA Color Health
Classification: Uncertain significance for Hereditary cancer-predisposing syndrome. Last evaluated: 2025-07-15. Review status: criteria provided, single submitter. Criteria: ACMG Guidelines, 2015. Collection method: clinical testing. Allele origin: germline.
Comment: This missense variant replaces phenylalanine with serine at codon 104 of the PMS2 protein. Computational prediction suggests that this variant may have deleterious impact on protein structure and function. To our knowledge, functional studies have not been reported for this variant. This variant has not been reported in individuals affected with PMS2-related disorders in the literature. This variant has not been identified in the general population by the Genome Aggregation Database (gnomAD). The available evidence is insufficient to determine the role of this variant in disease conclusively. Therefore, this variant is classified as a Variant of Uncertain Significance.

Baylor Genetics
Classification: Uncertain significance for Lynch syndrome 4. Last evaluated: 2023-06-29. Review status: criteria provided, single submitter. Criteria: ACMG Guidelines, 2015. Collection method: clinical testing. Allele origin: unknown.

Women's Health and Genetics/Laboratory Corporation of America, LabCorp
Classification: Uncertain significance. Last evaluated: 2022-12-10. Review status: criteria provided, single submitter. Criteria: LabCorp Variant Classification Summary - May 2015. Collection method: clinical testing. Allele origin: germline.

Labcorp Genetics (formerly Invitae), Labcorp
Classification: Uncertain significance for Hereditary nonpolyposis colorectal neoplasms. Last evaluated: 2022-08-23. Review status: criteria provided, single submitter. Criteria: Invitae Variant Classification Sherloc (09022015). Collection method: clinical testing. Allele origin: germline.
Comment: In summary, the available evidence is currently insufficient to determine the role of this variant in disease. Therefore, it has been classified as a Variant of Uncertain Significance. Advanced modeling of protein sequence and biophysical properties (such as structural, functional, and spatial information, amino acid conservation, physicochemical variation, residue mobility, and thermodynamic stability) performed at Invitae indicates that this missense variant is expected to disrupt PMS2 protein function. ClinVar contains an entry for this variant (Variation ID: 233264). This variant has not been reported in the literature in individuals affected with PMS2-related conditions. This variant is not present in population databases (gnomAD no frequency). This sequence change replaces phenylalanine, which is neutral and non-polar, with serine, which is neutral and polar, at codon 104 of the PMS2 protein (p.Phe104Ser).

NM_000535.7(PMS2):c.311T>C (p.Phe104Ser)

Gene: PMS2 (PMS1 homolog 2, mismatch repair system component; minus strand). Cytogenetic location: 7p22.1.
Variant type: single nucleotide variant.
Coding change: c.311T>C on transcript NM_000535.7 (MANE Select); coding-DNA position 311, T replaced by C.
Protein change: p.Phe104Ser; replaces phenylalanine 104 with serine.
Molecular consequence: missense variant. On other transcripts: 5 prime UTR variant (9), non-coding transcript variant (1), intron variant (2).
Genome position (GRCh38, 1-based): chr7:6,003,732, A>G on the plus strand (T>C on the coding strand, the complement: PMS2 is on the minus strand). VCF-style: chr7-6003732-A-G. GRCh37 (hg19) VCF-style: chr7-6043363-A-G.
Other names: c.-574T>C (NM_001322012.2, NM_001322011.2); c.-95T>C (NM_001322013.2, NM_001322003.2, NM_001322004.2 and 3 more transcripts); c.311T>C, p.Phe104Ser (NM_001322014.2, NM_001322006.2); c.-174T>C (NM_001322015.2); c.35+240T>C (NM_001322008.2, NM_001322007.2); short protein forms F104S.
Identifiers: ClinVar variation 233264 (VCV000233264.14), dbSNP rs876660295, ClinGen allele CA10578720.